The following is an entry in ClinVar:

ClinVar aggregate classification (germline): Uncertain significance. Review status: criteria provided, multiple submitters, no conflicts (2 of 4 stars). 2 submissions from 2 submitters: Uncertain significance (2). Last evaluated 2024-03-30.

Conditions:
Inborn genetic diseases. Identifiers: MedGen C0950123, MeSH D030342.
Hearing impairment. Also called: Impaired Hearing. Identifiers: MedGen C1384666, MONDO:0005365, HP:0000365.

Allele frequency attached by ClinVar (database versions not stated): TOPMed 0.00002; ExAC 0.00003; gnomAD exomes 0.00003 and 0.00002; gnomAD 0.00002.
gnomAD v4.1: 33 of 1,614,070 alleles (0.002%); highest among the groups gnomAD compares: Middle Eastern, 0.049%; 1 homozygote.

Submissions (2):

Ambry Genetics
Classification: Uncertain significance for Inborn genetic diseases. Last evaluated: 2024-03-30. Review status: criteria provided, single submitter. Criteria: Ambry Variant Classification Scheme 2023. Collection method: clinical testing. Allele origin: germline.

Department of Otolaryngology – Head & Neck Surgery, Cochlear Implant Center
Classification: Uncertain significance for Hearing impairment. Last evaluated: 2021-04-12. Review status: criteria provided, single submitter. Criteria: ClinGen HL ACMG Specifications v1. Collection method: clinical testing. Allele origin: germline. Affected: yes.
Comment: PM2_Moderate, PP3_Supporting

NM_005422.4(TECTA):c.5978G>A (p.Arg1993Gln)

Genes: TBCEL-TECTA (TBCEL-TECTA readthrough; plus strand), TECTA (tectorin alpha; plus strand). Cytogenetic location: 11q23.3.
Variant type: single nucleotide variant.
Coding change: c.5978G>A on transcript NM_005422.4 (MANE Select); coding-DNA position 5978, G replaced by A.
Protein change: p.Arg1993Gln; replaces arginine 1993 with glutamine.
Molecular consequence: missense variant.
Genome position (GRCh38, 1-based): chr11:121,168,904, G>A. VCF-style: chr11-121168904-G-A. GRCh37 (hg19) VCF-style: chr11-121039613-G-A.
Other names: c.6920G>A, p.Arg2307Gln (NM_001378761.1); short protein forms R1993Q, R2307Q.
Identifiers: ClinVar variation 1064875 (VCV001064875.4), dbSNP rs199881827, ClinGen allele CA6327847.